The following is an entry in ClinVar:

NM_015338.6(ASXL1):c.1266G>T (p.Arg422Ser)

Gene: ASXL1 (ASXL transcriptional regulator 1; plus strand). Cytogenetic location: 20q11.21.
Variant type: single nucleotide variant.
Coding change: c.1266G>T on transcript NM_015338.6 (MANE Select); coding-DNA position 1266, G replaced by T.
Protein change: p.Arg422Ser; replaces arginine 422 with serine.
Molecular consequence: missense variant.
Genome position (GRCh38, 1-based): chr20:32,433,464, G>T. VCF-style: chr20-32433464-G-T. GRCh37 (hg19) VCF-style: chr20-31021267-G-T.
Other names: c.1083G>T, p.Arg361Ser (NM_001363734.1); short protein forms R361S, R422S.
Identifiers: ClinVar variation 3792915 (VCV003792915.1).

ClinVar aggregate classification (germline): Uncertain significance (1 of 4 stars; one submission).

Conditions:
Inborn genetic diseases. Identifiers: MedGen C0950123, MeSH D030342.

Submission:

Ambry Genetics
Classification: Uncertain significance for Inborn genetic diseases. Last evaluated: 2025-01-30. Review status: criteria provided, single submitter. Criteria: Ambry Variant Classification Scheme 2023. Collection method: clinical testing. Allele origin: germline.
Comment: The p.R422S variant (also known as c.1266G>T), located in coding exon 12 of the ASXL1 gene, results from a G to T substitution at nucleotide position 1266. The arginine at codon 422 is replaced by serine, an amino acid with dissimilar properties. This amino acid position is conserved. In addition, this alteration is predicted to be tolerated by in silico analysis. Based on the available evidence, the clinical significance of this variant remains unclear.